The following is an entry in ClinVar:

NM_007194.4(CHEK2):c.44G>T (p.Ser15Ile)

Gene: CHEK2 (checkpoint kinase 2; minus strand). Cytogenetic location: 22q12.1.
Variant type: single nucleotide variant.
Coding change: c.44G>T on transcript NM_007194.4 (MANE Select); coding-DNA position 44, G replaced by T.
Protein change: p.Ser15Ile; replaces serine 15 with isoleucine.
Molecular consequence: missense variant.
Genome position (GRCh38, 1-based): chr22:28,734,678, C>A on the plus strand (G>T on the coding strand, the complement: CHEK2 is on the minus strand). VCF-style: chr22-28734678-C-A. GRCh37 (hg19) VCF-style: chr22-29130666-C-A.
Other names: c.44G>T, p.Ser15Ile (NM_001005735.3, NM_001349956.3, NM_145862.3); c.-734G>T (NM_001257387.3); short protein forms S15I.
Identifiers: ClinVar variation 959015 (VCV000959015.10), dbSNP rs2054337550, ClinGen allele CA411091907.

ClinVar aggregate classification (germline): Uncertain significance (1 of 4 stars; one submission).

Conditions:
Familial cancer of breast. Also called: BREAST CANCER, FAMILIAL; Hereditary breast cancer; hereditary breast carcinoma. Identifiers: Orphanet 227535, MedGen C0346153, MONDO:0016419, OMIM 114480. Disease mechanism: loss of function.

Submission:

Labcorp Genetics (formerly Invitae), Labcorp
Classification: Uncertain significance for Familial cancer of breast. Last evaluated: 2022-08-09. Review status: criteria provided, single submitter. Criteria: Invitae Variant Classification Sherloc (09022015). Collection method: clinical testing. Allele origin: germline.
Comment: In summary, the available evidence is currently insufficient to determine the role of this variant in disease. Therefore, it has been classified as a Variant of Uncertain Significance. Algorithms developed to predict the effect of missense changes on protein structure and function are either unavailable or do not agree on the potential impact of this missense change (SIFT: "Deleterious"; PolyPhen-2: "Benign"; Align-GVGD: "Class C15"). ClinVar contains an entry for this variant (Variation ID: 959015). This variant has not been reported in the literature in individuals affected with CHEK2-related conditions. This variant is not present in population databases (gnomAD no frequency). This sequence change replaces serine, which is neutral and polar, with isoleucine, which is neutral and non-polar, at codon 15 of the CHEK2 protein (p.Ser15Ile).